The following is an entry in ClinVar:

ClinVar aggregate classification (germline): Uncertain significance (1 of 4 stars; one submission).

Conditions:
Diaphyseal medullary stenosis-bone malignancy syndrome. Also called: BONE DYSPLASIA WITH MALIGNANT FIBROUS HISTIOCYTOMA; BONE DYSPLASIA WITH MEDULLARY FIBROSARCOMA; MYOPATHY, LIMB-GIRDLE, WITH BONE FRAGILITY. Identifiers: Orphanet 85182, MedGen C1862177, MONDO:0007205, OMIM 112250.

Submission:

Dasa
Classification: Uncertain significance for Diaphyseal medullary stenosis-bone malignancy syndrome. Last evaluated: 2025-12-10. Review status: criteria provided, single submitter. Criteria: DASA Assertion Criteria. Collection method: clinical testing. Allele origin: germline.
Comment: NM_002451.4(MTAP):c.695C>A (p.Ser232*) is a nonsense variant in MTAP predicted to introduce a premature termination codon. This variant is absent from population databases. The currently available literature and clinical evidence are not sufficient to establish a definitive association between this variant and the reported condition. Therefore, this variant is classified as a variant of uncertain significance.

NM_002451.4(MTAP):c.695C>A (p.Ser232Ter)

Gene: MTAP (methylthioadenosine phosphorylase; plus strand). Cytogenetic location: 9p21.3.
Variant type: single nucleotide variant.
Coding change: c.695C>A on transcript NM_002451.4 (MANE Select); coding-DNA position 695, C replaced by A.
Protein change: p.Ser232Ter; replaces serine 232 with a stop codon.
Molecular consequence: nonsense. On other transcripts: non-coding transcript variant (1), intron variant (2).
Genome position (GRCh38, 1-based): chr9:21,859,307, C>A. VCF-style: chr9-21859307-C-A. GRCh37 (hg19) VCF-style: chr9-21859306-C-A.
Other names: c.690+4437C>A (NM_001396045.1, NM_001396042.1); c.746C>A, p.Ser249Ter (NM_001396040.1); c.695C>A, p.Ser232Ter (NM_001396041.1, NM_001396043.1, NM_001396044.1); short protein forms S232*, S249*.
Identifiers: ClinVar variation 4881550 (VCV004881550.2).